The following is an entry in ClinVar:

NM_025114.4(CEP290):c.4317A>C (p.Thr1439=)

Gene: CEP290 (centrosomal protein 290; minus strand). Cytogenetic location: 12q21.32.
Variant type: single nucleotide variant.
Coding change: c.4317A>C on transcript NM_025114.4 (MANE Select); coding-DNA position 4317, A replaced by C.
Protein change: p.Thr1439=; no amino-acid change (threonine 1439 retained).
Molecular consequence: synonymous variant.
Genome position (GRCh38, 1-based): chr12:88,086,159, T>G on the plus strand (A>C on the coding strand, the complement: CEP290 is on the minus strand). VCF-style: chr12-88086159-T-G. GRCh37 (hg19) VCF-style: chr12-88479936-T-G.
Other names: c.4317A>C (NM_025114.3).
Identifiers: ClinVar variation 1096912 (VCV001096912.12), dbSNP rs375966721, ClinGen allele CA6711967.

ClinVar aggregate classification (germline): Likely benign. Review status: criteria provided, multiple submitters, no conflicts (2 of 4 stars). 3 submissions from 3 submitters: Likely benign (2). 1 of the submissions does not count toward it. Last evaluated 2026-01-06.

Conditions:
Joubert syndrome 5 (JBTS5). Identifiers: Orphanet 2318, MedGen C1857780, MONDO:0012432, OMIM 610188.
Bardet-Biedl syndrome 14 (BBS14). Identifiers: Orphanet 110, MedGen C2673874, MONDO:0014442, OMIM 615991.
Senior-Loken syndrome 6 (SLSN6). Identifiers: Orphanet 3156, MedGen C1857779, MONDO:0012433, OMIM 610189.
Leber congenital amaurosis 10 (LCA10). Identifiers: Orphanet 65, MedGen C1857821, MONDO:0012723, OMIM 611755.
Meckel syndrome, type 4 (MKS4). Also called: MECKEL-GRUBER SYNDROME, TYPE 4. Identifiers: Orphanet 564, MedGen C1970161, MONDO:0012626, OMIM 611134.
Joubert syndrome. Also called: CEREBELLOPARENCHYMAL DISORDER IV; JOUBERT-BOLTSHAUSER SYNDROME; Familial aplasia of the vermis. Identifiers: Orphanet 475, MedGen C5979921, MONDO:0018772.
Nephronophthisis. Also called: Juvenile Nephronophthisis. Identifiers: Orphanet 655, MedGen C0687120, MONDO:0019005, HP:0000090.
Meckel-Gruber syndrome. Also called: DYSENCEPHALIA SPLANCHNOCYSTICA; GRUBER SYNDROME; Dysencephalia splachnocystica. Identifiers: Orphanet 564, MedGen C0265215, MONDO:0018921.
CEP290-related disorder. Also called: CEP290-related disorders; CEP290-related condition. Identifiers: MedGen CN239314.

Allele frequency attached by ClinVar (database versions not stated): gnomAD exomes below 0.00001 and 0.00003; ExAC 0.00004; ESP Exome Variant Server 0.00009; TOPMed 0.00011; gnomAD 0.00013 and 0.00014; 1000 Genomes Project 0.00020; 1000 Genomes Project 30x 0.00031.

Submissions (3):

Labcorp Genetics (formerly Invitae), Labcorp
Classification: Likely benign for Joubert syndrome; Meckel-Gruber syndrome; Nephronophthisis. Last evaluated: 2026-01-06. Review status: criteria provided, single submitter. Criteria: Invitae Variant Classification Sherloc (09022015). Collection method: clinical testing. Allele origin: germline.

Fulgent Genetics
Classification: Likely benign for Joubert syndrome 5; Senior-Loken syndrome 6; Meckel syndrome, type 4; Leber congenital amaurosis 10; Bardet-Biedl syndrome 14. Last evaluated: 2021-12-10. Review status: criteria provided, single submitter. Criteria: ACMG Guidelines, 2015. Collection method: clinical testing. Allele origin: unknown.

PreventionGenetics, part of Exact Sciences
Classification: Likely benign for CEP290-related condition. Last evaluated: 2021-07-16. Review status: no assertion criteria provided. Collection method: clinical testing. Allele origin: germline. Not counted in ClinVar's aggregate classification.
Comment: This variant is classified as likely benign based on ACMG/AMP sequence variant interpretation guidelines (Richards et al. 2015 PMID: 25741868, with internal and published modifications).